The following is an entry in ClinVar:

ClinVar aggregate classification (germline): Uncertain significance (1 of 4 stars; one submission).

Conditions:
Autosomal recessive severe congenital neutropenia due to CSF3R deficiency. Also called: Neutropenia, severe congenital, 7, autosomal recessive. Identifiers: Orphanet 420702, MedGen C4310764, MONDO:0014865, OMIM 617014.

Allele frequency attached by ClinVar (database versions not stated): ExAC 0.00001; gnomAD exomes 0.00001.

Submission:

Labcorp Genetics (formerly Invitae), Labcorp
Classification: Uncertain significance for Autosomal recessive severe congenital neutropenia due to CSF3R deficiency. Last evaluated: 2023-10-25. Review status: criteria provided, single submitter. Criteria: Invitae Variant Classification Sherloc (09022015). Collection method: clinical testing. Allele origin: germline.
Comment: This sequence change replaces leucine, which is neutral and non-polar, with proline, which is neutral and non-polar, at codon 817 of the CSF3R protein (p.Leu817Pro). The frequency data for this variant in the population databases is considered unreliable, as metrics indicate poor data quality at this position in the gnomAD database. This variant has not been reported in the literature in individuals affected with CSF3R-related conditions. ClinVar contains an entry for this variant (Variation ID: 2099812). An algorithm developed to predict the effect of missense changes on protein structure and function (PolyPhen-2) suggests that this variant is likely to be disruptive. In summary, the available evidence is currently insufficient to determine the role of this variant in disease. Therefore, it has been classified as a Variant of Uncertain Significance.

NM_000760.4(CSF3R):c.2450T>C (p.Leu817Pro)

Gene: CSF3R (colony stimulating factor 3 receptor; minus strand). Cytogenetic location: 1p34.3.
Variant type: single nucleotide variant.
Coding change: c.2450T>C on transcript NM_000760.4 (MANE Select); coding-DNA position 2450, T replaced by C.
Protein change: p.Leu817Pro; replaces leucine 817 with proline.
Molecular consequence: missense variant. On other transcripts: intron variant (1).
Genome position (GRCh38, 1-based): chr1:36,466,418, A>G on the plus strand (T>C on the coding strand, the complement: CSF3R is on the minus strand). VCF-style: chr1-36466418-A-G. GRCh37 (hg19) VCF-style: chr1-36932019-A-G.
Other names: c.2531T>C, p.Leu844Pro (NM_156039.3); c.2247+203T>C (NM_172313.3); short protein forms L817P, L844P.
Identifiers: ClinVar variation 2099812 (VCV002099812.4), dbSNP rs759195810, ClinGen allele CA768891.
Genomic context (GRCh38, chr1:36,466,418, plus strand): 5'-TAGAAGCTCCCCAGCGCCTCCATCCCATGGACCCGGATCCCCTGCAGGAGGGGGAAGTTG[A>G]GCAGTGGCCCAAAGACACAGTCGTCCTCCTGGCTTGGGGCTGGGGTTACCAGGGTCCCCA-3'
Protein context (NP_000751.1, residues 807-827): QEDDCVFGPL[Leu817Pro]NFPLLQGIRV